The following is an entry in ClinVar:

NM_002336.3(LRP6):c.3077G>C (p.Arg1026Pro)

Gene: LRP6 (LDL receptor related protein 6; minus strand). Cytogenetic location: 12p13.2.
Variant type: single nucleotide variant.
Coding change: c.3077G>C on transcript NM_002336.3 (MANE Select); coding-DNA position 3077, G replaced by C.
Protein change: p.Arg1026Pro; replaces arginine 1026 with proline.
Molecular consequence: missense variant.
Genome position (GRCh38, 1-based): chr12:12,149,071, C>G on the plus strand (G>C on the coding strand, the complement: LRP6 is on the minus strand). VCF-style: chr12-12149071-C-G. GRCh37 (hg19) VCF-style: chr12-12302005-C-G.
Other names: short protein forms R1026P.
Identifiers: ClinVar variation 1335098 (VCV001335098.35), dbSNP rs146852380, ClinGen allele CA383941967.

ClinVar aggregate classification (germline): Uncertain significance (1 of 4 stars; one submission).

Submission:

CeGaT Center for Human Genetics Tuebingen
Classification: Uncertain significance. Last evaluated: 2022-09-01. Review status: criteria provided, single submitter. Criteria: CeGaT Center For Human Genetics Tuebingen Variant Classification Criteria Version 2. Collection method: clinical testing. Allele origin: germline. Affected: yes. Observed: 2 variant alleles.
Comment: LRP6: PM2, PP3, PP4